The following is an entry in ClinVar:

ClinVar aggregate classification (germline): Uncertain significance (1 of 4 stars; one submission).

Conditions:
STRC-related disorder. Also called: STRC-related condition.

Submission:

PreventionGenetics, part of Exact Sciences
Classification: Uncertain significance for STRC-related condition. Last evaluated: 2023-06-22. Review status: criteria provided, single submitter. Criteria: ACMG Guidelines, 2015. Collection method: clinical testing. Allele origin: germline.
Comment: The STRC c.2586G>T variant is predicted to result in the amino acid substitution p.Trp862Cys. To our knowledge, this variant has not been reported in the literature or in a large population database, indicating this variant is rare. At this time, the clinical significance of this variant is uncertain due to the absence of conclusive functional and genetic evidence.

NM_153700.2(STRC):c.2586G>T (p.Trp862Cys)

Gene: STRC (stereocilin; minus strand). Cytogenetic location: 15q15.3.
Variant type: single nucleotide variant.
Coding change: c.2586G>T on transcript NM_153700.2 (MANE Select); coding-DNA position 2586, G replaced by T.
Protein change: p.Trp862Cys; replaces tryptophan 862 with cysteine.
Molecular consequence: missense variant.
Genome position (GRCh38, 1-based): chr15:43,613,126, C>A on the plus strand (G>T on the coding strand, the complement: STRC is on the minus strand). VCF-style: chr15-43613126-C-A. GRCh37 (hg19) VCF-style: chr15-43905324-C-A.
Other names: short protein forms W862C.
Identifiers: ClinVar variation 2632736 (VCV002632736.1), dbSNP rs2507594035, ClinGen allele CA392178371.